The following is an entry in ClinVar:

ClinVar aggregate classification (germline): Benign (1 of 4 stars; one submission).

Submission:

CeGaT Center for Human Genetics Tuebingen
Classification: Benign. Last evaluated: 2025-08-01. Review status: criteria provided, single submitter. Criteria: CeGaT Center For Human Genetics Tuebingen Variant Classification Criteria Version 2. Collection method: clinical testing. Allele origin: germline. Affected: yes. Observed: 1 variant allele.
Comment: NOTCH3: BS1, BS2

NM_000435.3(NOTCH3):c.5199+856GA[14]

Gene: NOTCH3 (notch receptor 3; minus strand). Cytogenetic location: 19p13.12.
Variant type: Microsatellite.
Coding change: c.5199+856GA[14] on transcript NM_000435.3 (MANE Select); 14 copies in a row of the 2-base unit GA starting at c.5199+856; the reference has 22 copies in a row; eight copies, 16 bases deleted.
Molecular consequence: intron variant.
Genome position (GRCh38, 1-based): chr19:15,169,187-15,169,202, TCTCTCTCTCTCTCTC deleted on the plus strand (GAGAGAGAGAGAGAGA on the coding strand, the reverse complement: NOTCH3 is on the minus strand); deleting any 16 consecutive bases within chr19:15,169,187-15,169,230 gives the same sequence; the position shown is the placement nearest the transcript's 3' end. VCF-style (leftmost placement, unchanged base first): chr19-15169186-GTCTCTCTCTCTCTCTC-G. GRCh37 (hg19) VCF-style: chr19-15279997-GTCTCTCTCTCTCTCTC-G.
Identifiers: ClinVar variation 4083964 (VCV004083964.8).